The following is an entry in ClinVar:

ClinVar aggregate classification (germline): Likely benign (1 of 4 stars; one submission).

gnomAD v4.1: 73 of 1,201,484 alleles (0.0061%); highest among the groups gnomAD compares: African/African-American, 0.047%; no homozygotes.

Submission:

CeGaT Center for Human Genetics Tuebingen
Classification: Likely benign. Last evaluated: 2026-02-01. Review status: criteria provided, single submitter. Criteria: CeGaT Center For Human Genetics Tuebingen Variant Classification Criteria Version 2. Collection method: clinical testing. Allele origin: germline. Affected: yes. Observed: 1 variant allele.
Comment: DOCK11: BP4, BS2

NM_144658.4(DOCK11):c.5426C>T (p.Thr1809Met)

Gene: DOCK11 (dedicator of cytokinesis 11; plus strand). Cytogenetic location: Xq24.
Variant type: single nucleotide variant.
Coding change: c.5426C>T on transcript NM_144658.4 (MANE Select); coding-DNA position 5426, C replaced by T.
Protein change: p.Thr1809Met; replaces threonine 1809 with methionine.
Molecular consequence: missense variant.
Genome position (GRCh38, 1-based): chrX:118,676,703, C>T. VCF-style: chrX-118676703-C-T. GRCh37 (hg19) VCF-style: chrX-117810666-C-T.
Other names: short protein forms T1809M.
Identifiers: ClinVar variation 4820981 (VCV004820981.4).